The following is an entry in ClinVar:

NM_001081550.2(THOC2):c.709A>T (p.Ser237Cys)

Gene: THOC2 (THO complex subunit 2; minus strand). Cytogenetic location: Xq25.
Variant type: single nucleotide variant.
Coding change: c.709A>T on transcript NM_001081550.2 (MANE Select); coding-DNA position 709, A replaced by T.
Protein change: p.Ser237Cys; replaces serine 237 with cysteine.
Molecular consequence: missense variant.
Genome position (GRCh38, 1-based): chrX:123,686,607, T>A on the plus strand (A>T on the coding strand, the complement: THOC2 is on the minus strand). VCF-style: chrX-123686607-T-A. GRCh37 (hg19) VCF-style: chrX-122820457-T-A.
Other names: NC_000023.10:g.122820457T>A; short protein forms S237C.
Identifiers: ClinVar variation 3359843 (VCV003359843.3).

ClinVar aggregate classification (germline): Uncertain significance (1 of 4 stars; one submission).

Submissions (2):

GeneDx
Classification: Uncertain significance. Last evaluated: 2024-10-28. Review status: criteria provided, single submitter. Criteria: GeneDx Variant Classification Process June 2021. Collection method: clinical testing. Allele origin: germline.
Comment: Not observed at significant frequency in large population cohorts (gnomAD); In silico analysis indicates that this missense variant does not alter protein structure/function; Has not been previously published as pathogenic or benign to our knowledge

Dr. Peter K. Rogan Lab, Western University
No classification provided (evidence only). Condition: Nonpapillary renal cell carcinoma. Review status: no classification provided. Collection method: in vitro. Allele origin: not applicable. Functional consequence: retained intron. Not counted in ClinVar's aggregate classification.